The following is an entry in ClinVar:

NM_181486.4(TBX5):c.354T>C (p.Asp118=)

Gene: TBX5 (T-box transcription factor 5; minus strand). Cytogenetic location: 12q24.21.
Variant type: single nucleotide variant.
Coding change: c.354T>C on transcript NM_181486.4 (MANE Select); coding-DNA position 354, T replaced by C.
Protein change: p.Asp118=; no amino-acid change (aspartic acid 118 retained).
Molecular consequence: synonymous variant.
Genome position (GRCh38, 1-based): chr12:114,399,521, A>G on the plus strand (T>C on the coding strand, the complement: TBX5 is on the minus strand). VCF-style: chr12-114399521-A-G. GRCh37 (hg19) VCF-style: chr12-114837326-A-G.
Other names: c.354T>C, p.Asp118= (NM_000192.3); c.204T>C, p.Asp68= (NM_080717.4).
Identifiers: ClinVar variation 307307 (VCV000307307.57), dbSNP rs151249768, ClinGen allele CA6809638.
Genomic context (GRCh38, chr12:114,399,521, plus strand): 5'-AGAAGGTTCCACTTTTCTCTCTCCCCGCTCCACCTGCCACCCCAGTGCCTACCATTTATT[A>G]TCTGCGAATTTGTATCTGTGATCGTCGGCAGGTACAATGTCCATGAGAAGAATGTACTTC-3'
Protein context (NP_852259.1, residues 108-128): PADDHRYKFA[Asp118=]NKWSVTGKAE

ClinVar aggregate classification (germline): Benign/Likely benign. Review status: criteria provided, multiple submitters, no conflicts (2 of 4 stars). 7 submissions from 7 submitters: Benign (2); Likely benign (4). 1 of the submissions does not count toward it. Last evaluated 2025-06-19.

Conditions:
Aortic valve disease 2 (AOVD2). Identifiers: MedGen C3542024, MONDO:0013902, OMIM 614823.
Cardiovascular phenotype. Identifiers: MedGen CN230736.
TBX5-related disorder. Also called: TBX5-related condition.
Holt-Oram syndrome (HOS). Also called: TBX5-Related Holt-Oram Syndrome; Ventriculo-radial syndrome; Cardiac-limb syndrome; Heart-hand syndrome, type 1. Identifiers: Orphanet 392, MedGen C0265264, MONDO:0007732, OMIM 142900.

Allele frequency attached by ClinVar (database versions not stated): TOPMed 0.00035; gnomAD 0.00037 and 0.00039; ESP Exome Variant Server 0.00038; gnomAD exomes 0.00057 and 0.00060; ExAC 0.00075.
gnomAD v4.1: 882 of 1,613,892 alleles (0.055%); highest among the groups gnomAD compares: Non-Finnish European, 0.062%; 2 homozygotes.

Submissions (7):

Labcorp Genetics (formerly Invitae), Labcorp
Classification: Benign for Aortic valve disease 2. Last evaluated: 2025-06-19. Review status: criteria provided, single submitter. Criteria: Invitae Variant Classification Sherloc (09022015). Collection method: clinical testing. Allele origin: germline.

Blueprint Genetics
Classification: Likely benign. Last evaluated: 2024-10-01. Review status: criteria provided, single submitter. Criteria: ACMG Guidelines, 2015. Collection method: clinical testing. Allele origin: germline.

CeGaT Center for Human Genetics Tuebingen
Classification: Likely benign. Last evaluated: 2022-10-01. Review status: criteria provided, single submitter. Criteria: CeGaT Center For Human Genetics Tuebingen Variant Classification Criteria Version 2. Collection method: clinical testing. Allele origin: germline. Affected: yes. Observed: 2 variant alleles.
Comment: TBX5: BP4, BP7

Fulgent Genetics
Classification: Likely benign for Holt-Oram syndrome. Last evaluated: 2021-08-18. Review status: criteria provided, single submitter. Criteria: ACMG Guidelines, 2015. Collection method: clinical testing. Allele origin: unknown.

Illumina Laboratory Services, Illumina
Classification: Benign for Holt-Oram syndrome. Last evaluated: 2018-01-13. Review status: criteria provided, single submitter. Criteria: ICSL Variant Classification Criteria 13 December 2019. Collection method: clinical testing. Allele origin: germline.
Comment: This variant was observed in the ICSL laboratory as part of a predisposition screen in an ostensibly healthy population. It had not been previously curated by ICSL or reported in the Human Gene Mutation Database (HGMD: prior to June 1st, 2018), and was therefore a candidate for classification through an automated scoring system. Utilizing variant allele frequency, disease prevalence and penetrance estimates, and inheritance mode, an automated score was calculated to assess if this variant is too frequent to cause the disease. Based on the score and internal cut-off values, a variant classified as benign is not then subjected to further curation. The score for this variant resulted in a classification of benign for this disease.

Ambry Genetics
Classification: Likely benign for Cardiovascular phenotype. Last evaluated: 2017-06-30. Review status: criteria provided, single submitter. Criteria: Ambry Variant Classification Scheme 2023. Collection method: clinical testing. Allele origin: germline.

PreventionGenetics, part of Exact Sciences
Classification: Likely benign for TBX5-related condition. Last evaluated: 2019-07-10. Review status: no assertion criteria provided. Collection method: clinical testing. Allele origin: germline. Not counted in ClinVar's aggregate classification.
Comment: This variant is classified as likely benign based on ACMG/AMP sequence variant interpretation guidelines (Richards et al. 2015 PMID: 25741868, with internal and published modifications).